The following is an entry in ClinVar:

ClinVar aggregate classification (germline): Uncertain significance (1 of 4 stars; one submission).

Conditions:
Familial cold autoinflammatory syndrome 2 (FCAS2). Identifiers: Orphanet 247868, MedGen C2673198, MONDO:0012724, OMIM 611762.

Allele frequency attached by ClinVar (database versions not stated): gnomAD exomes below 0.00001 and 0.00001; gnomAD 0.00001; TOPMed 0.00001.
gnomAD v4.1: 11 of 1,613,612 alleles (0.00068%); highest among the groups gnomAD compares: African/African-American, 0.0013%; no homozygotes.

Submission:

Labcorp Genetics (formerly Invitae), Labcorp
Classification: Uncertain significance for Familial cold autoinflammatory syndrome 2. Last evaluated: 2025-10-15. Review status: criteria provided, single submitter. Criteria: Invitae Variant Classification Sherloc (09022015). Collection method: clinical testing. Allele origin: germline.
Comment: This sequence change replaces glycine, which is neutral and non-polar, with glutamic acid, which is acidic and polar, at codon 422 of the NLRP12 protein (p.Gly422Glu). The frequency data for this variant in the population databases is considered unreliable, as metrics indicate poor data quality at this position in the gnomAD database. This variant has not been reported in the literature in individuals affected with NLRP12-related conditions. ClinVar contains an entry for this variant (Variation ID: 651740). Invitae Evidence Modeling of protein sequence and biophysical properties (such as structural, functional, and spatial information, amino acid conservation, physicochemical variation, residue mobility, and thermodynamic stability) indicates that this missense variant is not expected to disrupt NLRP12 protein function with a negative predictive value of 80%. In summary, the available evidence is currently insufficient to determine the role of this variant in disease. Therefore, it has been classified as a Variant of Uncertain Significance.

NM_144687.4(NLRP12):c.1265G>A (p.Gly422Glu)

Gene: NLRP12 (NLR family pyrin domain containing 12; minus strand). Cytogenetic location: 19q13.42.
Variant type: single nucleotide variant.
Coding change: c.1265G>A on transcript NM_144687.4 (MANE Select); coding-DNA position 1265, G replaced by A.
Protein change: p.Gly422Glu; replaces glycine 422 with glutamic acid.
Molecular consequence: missense variant.
Genome position (GRCh38, 1-based): chr19:53,810,394, C>T on the plus strand (G>A on the coding strand, the complement: NLRP12 is on the minus strand). VCF-style: chr19-53810394-C-T. GRCh37 (hg19) VCF-style: chr19-54313648-C-T.
Other names: c.1265G>A, p.Gly422Glu (NM_001277126.2, NM_001277129.1); short protein forms G422E.
Identifiers: ClinVar variation 651740 (VCV000651740.6), dbSNP rs993565305, ClinGen allele CA310069163.